The following is an entry in ClinVar:

NM_000018.4(ACADVL):c.1374C>A (p.Phe458Leu)

Gene: ACADVL (acyl-CoA dehydrogenase very long chain; plus strand). Cytogenetic location: 17p13.1.
Variant type: single nucleotide variant.
Coding change: c.1374C>A on transcript NM_000018.4 (MANE Select); coding-DNA position 1374, C replaced by A.
Protein change: p.Phe458Leu; replaces phenylalanine 458 with leucine.
Molecular consequence: missense variant.
Genome position (GRCh38, 1-based): chr17:7,224,009, C>A. VCF-style: chr17-7224009-C-A. GRCh37 (hg19) VCF-style: chr17-7127328-C-A.
Other names: c.1308C>A, p.Phe436Leu (NM_001033859.3); c.1443C>A, p.Phe481Leu (NM_001270447.2); c.1146C>A, p.Phe382Leu (NM_001270448.2); short protein forms F436L, F458L, F481L, F382L.
Identifiers: ClinVar variation 3659358 (VCV003659358.2).
Genomic context (GRCh38, chr17:7,224,009, plus strand): 5'-TTGTGTGGCCCTGTGCTAGGAACCTGGAGTAGAGCGTGTGCTCCGAGATCTTCGCATCTT[C>A]CGGATCTTTGAGGGGACAAATGACATTCTTCGGCTGTTTGTGGCTCTGCAGGGCTGTATG-3'
Protein context (NP_000009.1, residues 448-468): VERVLRDLRI[Phe458Leu]RIFEGTNDIL

ClinVar aggregate classification (germline): Likely pathogenic (1 of 4 stars; one submission).

Conditions:
Very long chain acyl-CoA dehydrogenase deficiency (ACADVLD). Also called: VLCAD Deficiency; Very Long-Chain Acyl-Coenzyme A Dehydrogenase Deficiency. Identifiers: Orphanet 26793, MedGen C3887523, MONDO:0008723, OMIM 201475.

Submission:

Labcorp Genetics (formerly Invitae), Labcorp
Classification: Likely pathogenic for Very long chain acyl-CoA dehydrogenase deficiency. Last evaluated: 2024-07-12. Review status: criteria provided, single submitter. Criteria: Invitae Variant Classification Sherloc (09022015). Collection method: clinical testing. Allele origin: germline.
Comment: This sequence change replaces phenylalanine, which is neutral and non-polar, with leucine, which is neutral and non-polar, at codon 458 of the ACADVL protein (p.Phe458Leu). This variant is not present in population databases (gnomAD no frequency). This missense change has been observed in individual(s) with very long chain acyl-CoA dehydrogenase (VLCAD) deficiency (PMID: 9709714). Advanced modeling of protein sequence and biophysical properties (such as structural, functional, and spatial information, amino acid conservation, physicochemical variation, residue mobility, and thermodynamic stability) performed at Invitae indicates that this missense variant is expected to disrupt ACADVL protein function with a positive predictive value of 95%. In summary, the currently available evidence indicates that the variant is pathogenic, but additional data are needed to prove that conclusively. Therefore, this variant has been classified as Likely Pathogenic.

Literature cited by the submitters: PubMed 9709714.